The following is an entry in ClinVar:

NM_003743.5(NCOA1):c.1838T>C (p.Leu613Pro)

Gene: NCOA1 (nuclear receptor coactivator 1; plus strand). Cytogenetic location: 2p23.3.
Variant type: single nucleotide variant.
Coding change: c.1838T>C on transcript NM_003743.5 (MANE Select); coding-DNA position 1838, T replaced by C.
Protein change: p.Leu613Pro; replaces leucine 613 with proline.
Molecular consequence: missense variant.
Genome position (GRCh38, 1-based): chr2:24,707,308, T>C. VCF-style: chr2-24707308-T-C. GRCh37 (hg19) VCF-style: chr2-24930177-T-C.
Other names: c.1838T>C, p.Leu613Pro (NM_001362950.1, NM_001362952.1, NM_001362954.1 and 3 more transcripts); short protein forms L613P.
Identifiers: ClinVar variation 4987125 (VCV004987125.1).

ClinVar aggregate classification (germline): Uncertain significance (1 of 4 stars; one submission).

Conditions:
NCOA1-related disorder. Also called: NCOA1-related condition.

gnomAD v4.1: 2 of 1,614,228 alleles (0.00012%); highest among the groups gnomAD compares: Admixed American, 0.0017%; no homozygotes.

Submission:

PreventionGenetics, part of Exact Sciences
Classification: Uncertain significance for NCOA1-related condition. Last evaluated: 2025-03-28. Review status: criteria provided, single submitter. Criteria: ACMG Guidelines, 2015. Collection method: clinical testing. Allele origin: germline.
Comment: The NCOA1 c.1838T>C variant is predicted to result in the amino acid substitution p.Leu613Pro. To our knowledge, this variant has not been reported in the literature. This variant is reported in 0.0058% of alleles in individuals of Latino descent in gnomAD. At this time, the clinical significance of this variant is uncertain due to the absence of conclusive functional and genetic evidence.